The following is an entry in ClinVar:

ClinVar aggregate classification (germline): Uncertain significance (1 of 4 stars; one submission).

Conditions:
RYR1-related disorder. Also called: RYR1-related condition; RYR1-related disorders. Identifiers: MedGen CN239331.

Allele frequency attached by ClinVar (database versions not stated): gnomAD exomes below 0.00001; gnomAD 0.00001.
gnomAD v4.1: 3 of 1,614,044 alleles (0.00019%); highest among the groups gnomAD compares: African/African-American, 0.004%; no homozygotes.

Submission:

Labcorp Genetics (formerly Invitae), Labcorp
Classification: Uncertain significance for RYR1-related disorder. Last evaluated: 2022-10-11. Review status: criteria provided, single submitter. Criteria: Invitae Variant Classification Sherloc (09022015). Collection method: clinical testing. Allele origin: germline.
Comment: In summary, the available evidence is currently insufficient to determine the role of this variant in disease. Therefore, it has been classified as a Variant of Uncertain Significance. Advanced modeling of protein sequence and biophysical properties (such as structural, functional, and spatial information, amino acid conservation, physicochemical variation, residue mobility, and thermodynamic stability) performed at Invitae indicates that this missense variant is not expected to disrupt RYR1 protein function. This variant has not been reported in the literature in individuals affected with RYR1-related conditions. This variant is not present in population databases (gnomAD no frequency). This sequence change replaces proline, which is neutral and non-polar, with arginine, which is basic and polar, at codon 739 of the RYR1 protein (p.Pro739Arg).

NM_000540.3(RYR1):c.2216C>G (p.Pro739Arg)

Gene: RYR1 (ryanodine receptor 1; plus strand). Cytogenetic location: 19q13.2.
Variant type: single nucleotide variant.
Coding change: c.2216C>G on transcript NM_000540.3 (MANE Select); coding-DNA position 2216, C replaced by G.
Protein change: p.Pro739Arg; replaces proline 739 with arginine.
Molecular consequence: missense variant.
Genome position (GRCh38, 1-based): chr19:38,459,194, C>G. VCF-style: chr19-38459194-C-G. GRCh37 (hg19) VCF-style: chr19-38949834-C-G.
Other names: c.2216C>G, p.Pro739Arg (NM_001042723.2); short protein forms P739R.
Identifiers: ClinVar variation 2195290 (VCV002195290.4), dbSNP rs760127779, ClinGen allele CA405627685.
Genomic context (GRCh38, chr19:38,459,194, plus strand): 5'-TGACTGATGCAGGACACGTGGCACGCCCAGTGACTTCCCCAGGGCAGCACCTCCTGGCCC[C>G]TGAAGACGTGATCAGCTGCTGCCTGGACCTCAGCGTGCCGTCCATCTCCTTCCGCATCAA-3'
Protein context (NP_000531.2, residues 729-749): VTSPGQHLLA[Pro739Arg]EDVISCCLDL